The following is an entry in ClinVar:

NM_000257.4(MYH7):c.3436A>G (p.Ile1146Val)

Gene: MYH7 (myosin heavy chain 7; minus strand). Cytogenetic location: 14q11.2.
Variant type: single nucleotide variant.
Coding change: c.3436A>G on transcript NM_000257.4 (MANE Select); coding-DNA position 3436, A replaced by G.
Protein change: p.Ile1146Val; replaces isoleucine 1146 with valine.
Molecular consequence: missense variant.
Genome position (GRCh38, 1-based): chr14:23,420,135, T>C on the plus strand (A>G on the coding strand, the complement: MYH7 is on the minus strand). VCF-style: chr14-23420135-T-C. GRCh37 (hg19) VCF-style: chr14-23889344-T-C.
Other names: c.3436A>G, p.Ile1146Val (NM_001407004.1); short protein forms I1146V.
Identifiers: ClinVar variation 5025157 (VCV005025157.1).

ClinVar aggregate classification (germline): Uncertain significance (1 of 4 stars; one submission).

Conditions:
Cardiovascular phenotype. Identifiers: MedGen CN230736.

Submission:

Ambry Genetics
Classification: Uncertain significance for Cardiovascular phenotype. Last evaluated: 2026-07-02. Review status: criteria provided, single submitter. Criteria: Ambry Variant Classification Scheme 2023. Collection method: clinical testing. Allele origin: germline.
Comment: The p.I1146V variant (also known as c.3436A>G), located in coding exon 25 of the MYH7 gene, results from an A to G substitution at nucleotide position 3436. The isoleucine at codon 1146 is replaced by valine, an amino acid with highly similar properties. This amino acid position is conserved. In addition, this alteration is predicted to be tolerated by in silico analysis. Based on the available evidence, the clinical significance of this variant remains unclear.